The following is an entry in ClinVar:

NM_000501.4(ELN):c.*172G>A

Gene: ELN (elastin; plus strand). Cytogenetic location: 7q11.23.
Variant type: single nucleotide variant.
Coding change: c.*172G>A on transcript NM_000501.4 (MANE Select); 172 bases downstream of the stop codon, G replaced by A.
Molecular consequence: 3 prime UTR variant.
Genome position (GRCh38, 1-based): chr7:74,068,872, G>A. VCF-style: chr7-74068872-G-A. GRCh37 (hg19) VCF-style: chr7-73483202-G-A.
Other names: c.*172G>A (NM_001081752.3, NM_001081753.3, NM_001081754.3 and 9 more transcripts).
Identifiers: ClinVar variation 360664 (VCV000360664.7), dbSNP rs56120764, ClinGen allele CA10629493.
Genomic context (GRCh38, chr7:74,068,872, plus strand): 5'-AGGGAACGGGCAGGCCGGGCGGCCTTGCAGATCCACAGGGCAAGGAAACAAGAGGGGAGC[G>A]GCCAAGTGCCCCGACCAGGAGGCCCCCTACTTCAGAGGCAAGGGCCATGTGGTCCTGGCC-3'

ClinVar aggregate classification (germline): Benign/Likely benign. Review status: criteria provided, multiple submitters, no conflicts (2 of 4 stars). 3 submissions from 2 submitters: Benign (2); Likely benign (1). Last evaluated 2018-09-11.

Conditions:
Supravalvar aortic stenosis (SVAS). Also called: Supravalvar aortic stenosis, Eisenberg type. Identifiers: Orphanet 3193, MedGen C0003499, MONDO:0008504, OMIM 185500, HP:0004381.
Cutis laxa, autosomal dominant 1 (ADCL1). Also called: ELN-Related Cutis Laxa. Identifiers: Orphanet 90348, MedGen C3276539, MONDO:0007411, OMIM 123700. Disease mechanism: Dominant Negative.

Allele frequency attached by ClinVar (database versions not stated): gnomAD exomes 0.00042; 1000 Genomes Project 0.00359; 1000 Genomes Project 30x 0.00390; gnomAD 0.00395 and 0.00427; TOPMed 0.00409.

Submissions (3):

GeneDx
Classification: Likely benign. Last evaluated: 2018-09-11. Review status: criteria provided, single submitter. Criteria: GeneDx Variant Classification Process June 2021. Collection method: clinical testing. Allele origin: germline. Affected: yes.

Illumina Laboratory Services, Illumina
Classification: Benign for Supravalvar aortic stenosis. Last evaluated: 2018-01-13. Review status: criteria provided, single submitter. Criteria: ICSL Variant Classification Criteria 13 December 2019. Collection method: clinical testing. Allele origin: germline.
Comment: This variant was observed in the ICSL laboratory as part of a predisposition screen in an ostensibly healthy population. It had not been previously curated by ICSL or reported in the Human Gene Mutation Database (HGMD: prior to June 1st, 2018), and was therefore a candidate for classification through an automated scoring system. Utilizing variant allele frequency, disease prevalence and penetrance estimates, and inheritance mode, an automated score was calculated to assess if this variant is too frequent to cause the disease. Based on the score and internal cut-off values, a variant classified as benign is not then subjected to further curation. The score for this variant resulted in a classification of benign for this disease.

Illumina Laboratory Services, Illumina
Classification: Benign for Cutis laxa, autosomal dominant 1. Last evaluated: 2018-01-13. Review status: criteria provided, single submitter. Criteria: ICSL Variant Classification Criteria 13 December 2019. Collection method: clinical testing. Allele origin: germline.
Comment: the same text as in the submission from Illumina Laboratory Services, Illumina above.